The following is an entry in ClinVar:

NM_138694.4(PKHD1):c.1234-10T>A

Gene: PKHD1 (PKHD1 ciliary IPT domain containing fibrocystin/polyductin; minus strand). Cytogenetic location: 6p12.2.
Variant type: single nucleotide variant.
Coding change: c.1234-10T>A on transcript NM_138694.4 (MANE Select); 10 bases into the intron before coding-DNA position 1234, T replaced by A.
Molecular consequence: intron variant.
Genome position (GRCh38, 1-based): chr6:52,058,611, A>T on the plus strand (T>A on the coding strand, the complement: PKHD1 is on the minus strand). VCF-style: chr6-52058611-A-T. GRCh37 (hg19) VCF-style: chr6-51923409-A-T.
Other names: p.?; c.1234-10T>A (NM_170724.3).
Identifiers: ClinVar variation 96377 (VCV000096377.34), dbSNP rs4715272, ClinGen allele CA149490.
Genomic context (GRCh38, chr6:52,058,611, plus strand): 5'-CCAGGAGTCAAACCAGTCAGCAGTGCCGACGCTGATGGAGGCCACTTTCACCTATGCCCA[A>T]ATAAGCATATCATGATCAATACTATGCAGCTTCCAGGCATCTCTTTCTCAAACACTAAGT-3'

ClinVar aggregate classification (germline): Benign. Review status: criteria provided, multiple submitters, no conflicts (2 of 4 stars). 11 submissions from 11 submitters: Benign (9). 2 of the submissions do not count toward it. Last evaluated 2026-02-04.

Conditions:
Polycystic kidney disease 4 (PKD4). Also called: POLYCYSTIC KIDNEY AND HEPATIC DISEASE 1; POLYCYSTIC KIDNEY DISEASE, INFANTILE, TYPE I; POLYCYSTIC KIDNEY DISEASE 4 WITH OR WITHOUT POLYCYSTIC LIVER DISEASE; PKD3; Autosomal Recessive Polycystic Kidney Disease – PKHD1. Identifiers: MedGen C4540575, MONDO:0033004, OMIM 263200.
Autosomal recessive polycystic kidney disease (ARPKD). Also called: AR polycystic kidney disease. Identifiers: Orphanet 731, Orphanet 8378, MedGen C0085548, MeSH D017044, MONDO:0009889.
Polycystic kidney disease. Also called: Kidney, Polycystic; Polycystic kidney dysplasia. Identifiers: MedGen C0022680, MeSH D007690, MONDO:0020642, HP:0000113.

Allele frequency attached by ClinVar (database versions not stated): 1000 Genomes Project 30x 0.11587; 1000 Genomes Project 0.11661; gnomAD 0.12902; TOPMed 0.13714; ESP Exome Variant Server 0.14724; gnomAD exomes 0.14777; ExAC 0.15059.
gnomAD v4.1: 257,930 of 1,612,430 alleles (16%); highest among the groups gnomAD compares: Middle Eastern, 23%; 21,690 homozygotes.

Submissions (15):

Labcorp Genetics (formerly Invitae), Labcorp
Classification: Benign for Autosomal recessive polycystic kidney disease. Last evaluated: 2026-02-04. Review status: criteria provided, single submitter. Criteria: Invitae Variant Classification Sherloc (09022015). Collection method: clinical testing. Allele origin: germline.

Blueprint Genetics
Classification: Benign. Last evaluated: 2024-11-26. Review status: criteria provided, single submitter. Criteria: ACMG Guidelines, 2015. Collection method: clinical testing. Allele origin: germline.

Mayo Clinic Laboratories, Mayo Clinic
Classification: Benign. Last evaluated: 2022-03-09. Review status: criteria provided, single submitter. Criteria: ACMG Guidelines, 2015. Collection method: clinical testing. Allele origin: germline. Observed: 203 variant alleles.

Genome-Nilou Lab
Classification: Benign for Polycystic kidney disease 4. Last evaluated: 2021-09-05. Review status: criteria provided, single submitter. Criteria: ACMG Guidelines, 2015. Collection method: clinical testing. Allele origin: germline. Affected: no.

Pars Genome Lab
Classification: Benign for Polycystic kidney disease 4. Last evaluated: 2021-06-19. Review status: criteria provided, single submitter. Criteria: ACMG Guidelines, 2015. Collection method: clinical testing. Allele origin: germline. Affected: no.

GeneDx
Classification: Benign. Last evaluated: 2018-07-09. Review status: criteria provided, single submitter. Criteria: GeneDx Variant Classification Process June 2021. Collection method: clinical testing. Allele origin: germline. Affected: yes.

Illumina Laboratory Services, Illumina
Classification: Benign for Polycystic kidney disease 4. Last evaluated: 2018-01-12. Review status: criteria provided, single submitter. Criteria: ICSL Variant Classification Criteria 13 December 2019. Collection method: clinical testing. Allele origin: germline.
Comment: This variant was observed in the ICSL laboratory as part of a predisposition screen in an ostensibly healthy population. It had not been previously curated by ICSL or reported in the Human Gene Mutation Database (HGMD: prior to June 1st, 2018), and was therefore a candidate for classification through an automated scoring system. Utilizing variant allele frequency, disease prevalence and penetrance estimates, and inheritance mode, an automated score was calculated to assess if this variant is too frequent to cause the disease. Based on the score and internal cut-off values, a variant classified as benign is not then subjected to further curation. The score for this variant resulted in a classification of benign for this disease.

Eurofins Ntd Llc (ga)
Classification: Benign. Last evaluated: 2016-02-04. Review status: criteria provided, single submitter. Criteria: EGL Classification Definitions 2015. Collection method: clinical testing. Allele origin: germline. Observed: 52 variant alleles, 46 heterozygotes, 6 homozygotes.

PreventionGenetics, part of Exact Sciences
Classification: Benign. Review status: criteria provided, single submitter. Criteria: ACMG Guidelines, 2015. Collection method: clinical testing. Allele origin: germline.

Natera, Inc.
Classification: Benign for Autosomal recessive polycystic kidney disease. Last evaluated: 2017-05-11. Review status: no assertion criteria provided. Collection method: clinical testing. Allele origin: germline. Not counted in ClinVar's aggregate classification.

Department of Pathology and Laboratory Medicine, Sinai Health System
Classification: Benign for Polycystic Kidney disease. Review status: no assertion criteria provided. Collection method: clinical testing. Allele origin: unknown. Affected: yes. Study: The Canadian Open Genetics Repository (COGR). Not counted in ClinVar's aggregate classification.
Comment: The c.1234-10T>A, p.? variant was identified in 15% of 18201 control alleles in the Exome Aggregation Consortium (March 14, 2016). According to ACMG guidelines for variant classification based on allele frequency, category BA1, this variant is considered benign and has not been further reviewed (Richards 2015).

Dr. Peter K. Rogan Lab, Western University
No classification provided (evidence only). Condition: Cholangiocarcinoma. Review status: no classification provided. Collection method: in vitro. Allele origin: not applicable. Functional consequence: retained intron. Not counted in ClinVar's aggregate classification.

Dr. Peter K. Rogan Lab, Western University
No classification provided (evidence only). Condition: Cholangiocarcinoma. Review status: no classification provided. Collection method: in vitro. Allele origin: not applicable. Functional consequence: retained intron. Not counted in ClinVar's aggregate classification.

Dr. Peter K. Rogan Lab, Western University
No classification provided (evidence only). Condition: Hepatocellular carcinoma. Review status: no classification provided. Collection method: in vitro. Allele origin: not applicable. Functional consequence: retained intron. Not counted in ClinVar's aggregate classification.

Dr. Peter K. Rogan Lab, Western University
No classification provided (evidence only). Condition: Hepatocellular carcinoma. Review status: no classification provided. Collection method: in vitro. Allele origin: not applicable. Functional consequence: retained intron. Not counted in ClinVar's aggregate classification.